The following is an entry in ClinVar:

NM_000642.3(AGL):c.2773A>G (p.Ile925Val)

Gene: AGL (amylo-alpha-1,6-glucosidase and 4-alpha-glucanotransferase; plus strand). Cytogenetic location: 1p21.2.
Variant type: single nucleotide variant.
Coding change: c.2773A>G on transcript NM_000642.3 (MANE Select); coding-DNA position 2773, A replaced by G.
Protein change: p.Ile925Val; replaces isoleucine 925 with valine.
Molecular consequence: missense variant.
Genome position (GRCh38, 1-based): chr1:99,888,069, A>G. VCF-style: chr1-99888069-A-G. GRCh37 (hg19) VCF-style: chr1-100353625-A-G.
Other names: c.2773A>G, p.Ile925Val (NM_000028.3, NM_000643.3, NM_000644.3 and 2 more transcripts); c.2725A>G, p.Ile909Val (NM_000646.3); c.2572A>G, p.Ile858Val (NM_001425327.1); c.2569A>G, p.Ile857Val (NM_001425328.1); c.2434A>G, p.Ile812Val (NM_001425329.1); c.2395A>G, p.Ile799Val (NM_001425332.1); c.2773A>G (NM_000642.2); short protein forms I909V, I925V, I799V, I812V, I857V, I858V.
Identifiers: ClinVar variation 1511685 (VCV001511685.4), dbSNP rs763812355, ClinGen allele CA966887.
Genomic context (GRCh38, chr1:99,888,069, plus strand): 5'-AATCAGATCCTTTACCGATGTGAATCAGAAGAAAAGGAAGATGGTGGAGGGTGCTATGAC[A>G]TACCAAACTGGTCAGCCCTTAAATATGCAGGTCTTCAAGGTAAGCAAATGGAAGGATAGC-3'
Protein context (NP_000633.2, residues 915-935): EKEDGGGCYD[Ile925Val]PNWSALKYAG

ClinVar aggregate classification (germline): Uncertain significance. Review status: criteria provided, multiple submitters, no conflicts (2 of 4 stars). 2 submissions from 2 submitters: Uncertain significance (2). Last evaluated 2024-12-11.

Conditions:
Inborn genetic diseases. Identifiers: MedGen C0950123, MeSH D030342.
Glycogen storage disease type III (GSD3). Also called: FORBES DISEASE; Cori disease. Identifiers: Orphanet 366, MedGen C0017922, MONDO:0009291, OMIM 232400.

Allele frequency attached by ClinVar (database versions not stated): ExAC 0.00001; gnomAD 0.00001; gnomAD exomes 0.00001; TOPMed 0.00003.
gnomAD v4.1: 5 of 1,613,426 alleles (0.00031%); highest among the groups gnomAD compares: Admixed American, 0.0033%; no homozygotes.

Submissions (2):

Ambry Genetics
Classification: Uncertain significance for Inborn genetic diseases. Last evaluated: 2024-12-11. Review status: criteria provided, single submitter. Criteria: Ambry Variant Classification Scheme 2023. Collection method: clinical testing. Allele origin: germline.

Labcorp Genetics (formerly Invitae), Labcorp
Classification: Uncertain significance for Glycogen storage disease type III. Last evaluated: 2022-06-10. Review status: criteria provided, single submitter. Criteria: Invitae Variant Classification Sherloc (09022015). Collection method: clinical testing. Allele origin: germline.
Comment: This sequence change replaces isoleucine, which is neutral and non-polar, with valine, which is neutral and non-polar, at codon 925 of the AGL protein (p.Ile925Val). This variant is present in population databases (rs763812355, gnomAD 0.007%). This variant has not been reported in the literature in individuals affected with AGL-related conditions. Algorithms developed to predict the effect of missense changes on protein structure and function output the following: SIFT: "Tolerated"; PolyPhen-2: "Benign"; Align-GVGD: "Class C0". The valine amino acid residue is found in multiple mammalian species, which suggests that this missense change does not adversely affect protein function. Algorithms developed to predict the effect of sequence changes on RNA splicing suggest that this variant may create or strengthen a splice site. In summary, the available evidence is currently insufficient to determine the role of this variant in disease. Therefore, it has been classified as a Variant of Uncertain Significance.